The following is an entry in ClinVar:

NM_002332.3(LRP1):c.7443delinsCCG (p.Cys2482fs)

Gene: LRP1 (LDL receptor related protein 1; plus strand). Cytogenetic location: 12q13.3.
Variant type: Indel.
Coding change: c.7443delinsCCG on transcript NM_002332.3 (MANE Select); coding-DNA position 7443, A replaced by CCG.
Protein change: p.Cys2482fs; shifts the reading frame from cysteine 2482.
Molecular consequence: frameshift variant.
Genome position (GRCh38, 1-based): chr12:57,192,858, A replaced by CCG. VCF-style: chr12-57192858-A-CCG. GRCh37 (hg19) VCF-style: chr12-57586641-A-CCG.
Other names: short protein forms C2482fs.
Identifiers: ClinVar variation 4975112 (VCV004975112.1).

ClinVar aggregate classification (germline): Uncertain significance (1 of 4 stars; one submission).

Submission:

GeneDx
Classification: Uncertain significance. Last evaluated: 2025-02-12. Review status: criteria provided, single submitter. Criteria: GeneDx Variant Classification Process June 2021. Collection method: clinical testing. Allele origin: germline.
Comment: Frameshift variant predicted to result in protein truncation or nonsense mediated decay in a gene for which loss-of-function is not an established mechanism of disease; Has not been previously published as pathogenic or benign to our knowledge; Variants in candidate genes are classified as variants of uncertain significance in accordance with ACMG guidelines (PMID: 25741868)